The following is an entry in ClinVar:

ClinVar aggregate classification (germline): Benign/Likely benign. Review status: criteria provided, multiple submitters, no conflicts (2 of 4 stars). 4 submissions from 4 submitters: Benign (1); Likely benign (3). Last evaluated 2025-05-02.

Conditions:
Tuberous sclerosis syndrome (TSC). Also called: Tuberous Sclerosis Complex; Tuberous sclerosis. Identifiers: Orphanet 805, MedGen C0041341, MONDO:0001734.
Hereditary cancer-predisposing syndrome. Also called: Neoplastic Syndromes, Hereditary; Hereditary Cancer Syndrome; Hereditary neoplastic syndrome; Tumor predisposition. Identifiers: Orphanet 140162, MedGen C0027672, MeSH D009386, MONDO:0015356.
Tuberous sclerosis 2 (TSC2). Identifiers: Orphanet 805, MedGen C1860707, MONDO:0013199, OMIM 613254.

Allele frequency attached by ClinVar (database versions not stated): gnomAD 0.00001.
gnomAD v4.1: 1 of 1,613,980 alleles (0.000062%); highest among the groups gnomAD compares: African/African-American, 0.0013%; no homozygotes.

Submissions (4):

Myriad Genetics, Inc.
Classification: Benign for Tuberous sclerosis 2. Last evaluated: 2025-05-02. Review status: criteria provided, single submitter. Criteria: Myriad Autosomal Dominant, Autosomal Recessive and X-Linked Classification Criteria (2023). Collection method: clinical testing. Allele origin: unknown.
Comment: This variant is considered benign. This variant is a silent/synonymous amino acid change and it is not expected to impact splicing.

Ambry Genetics
Classification: Likely benign for Hereditary cancer-predisposing syndrome. Last evaluated: 2024-08-30. Review status: criteria provided, single submitter. Criteria: Ambry Variant Classification Scheme 2023. Collection method: clinical testing. Allele origin: germline.

Labcorp Genetics (formerly Invitae), Labcorp
Classification: Likely benign for Tuberous sclerosis 2. Last evaluated: 2024-05-14. Review status: criteria provided, single submitter. Criteria: Invitae Variant Classification Sherloc (09022015). Collection method: clinical testing. Allele origin: germline.

All of Us Research Program, National Institutes of Health
Classification: Likely benign for Tuberous sclerosis syndrome. Last evaluated: 2023-12-13. Review status: criteria provided, single submitter. Criteria: ACMG Guidelines, 2015. Collection method: clinical testing. Allele origin: germline. Inheritance: Autosomal dominant inheritance. Observed: 1 variant allele, 1 heterozygote.
Comment: This study involves interpretation of variants in research participants for the purpose of population health screening. Participant phenotype was not available at the time of variant classification. Additional details can be found in publication PMID: 35346344, PMCID: PMC8962531

NM_000548.5(TSC2):c.339C>A (p.Gly113=)

Gene: TSC2 (TSC complex subunit 2; plus strand). Cytogenetic location: 16p13.3.
Variant type: single nucleotide variant.
Coding change: c.339C>A on transcript NM_000548.5 (MANE Select); coding-DNA position 339, C replaced by A.
Protein change: p.Gly113=; no amino-acid change (glycine 113 retained).
Molecular consequence: synonymous variant. On other transcripts: intron variant (1).
Genome position (GRCh38, 1-based): chr16:2,054,298, C>A. VCF-style: chr16-2054298-C-A. GRCh37 (hg19) VCF-style: chr16-2104299-C-A.
Other names: c.339C>A (NM_000548.3); c.339C>A, p.Gly113= (NM_001077183.3, NM_001114382.3, NM_001363528.2 and 3 more transcripts); c.228C>A, p.Gly76= (NM_001318827.2); c.192C>A, p.Gly64= (NM_001318829.2); c.372C>A, p.Gly124= (NM_001318832.2); c.-1-1898C>A (NM_001318831.2).
Identifiers: ClinVar variation 1563204 (VCV001563204.12), dbSNP rs368451664, ClinGen allele CA492955334.
Genomic context (GRCh38, chr16:2,054,298, plus strand): 5'-TGGCAGCCGTGTGGGCGACGCTGGCAGGCTCTGCTGATCCTGTGGCTTTTGTCTTTAGGG[C>A]GAGCGTTTGGGGGTCCTCAGAGCCCTCTTCTTTAAGGTCATCAAGGATTACCCTTCCAAC-3'
Protein context (NP_000539.2, residues 103-123): ALLKAIVQGQ[Gly113=]ERLGVLRALF